The following is an entry in ClinVar:

ClinVar aggregate classification (germline): Uncertain significance (1 of 4 stars; one submission).

Allele frequency attached by ClinVar (database versions not stated): TOPMed below 0.00001; gnomAD exomes 0.00001.

Submission:

Labcorp Genetics (formerly Invitae), Labcorp
Classification: Uncertain significance. Last evaluated: 2024-10-13. Review status: criteria provided, single submitter. Criteria: Invitae Variant Classification Sherloc (09022015). Collection method: clinical testing. Allele origin: germline.
Comment: This sequence change replaces arginine, which is basic and polar, with cysteine, which is neutral and slightly polar, at codon 40 of the IL21 protein (p.Arg40Cys). The frequency data for this variant in the population databases is considered unreliable, as metrics indicate poor data quality at this position in the gnomAD database. This variant has not been reported in the literature in individuals affected with IL21-related conditions. An algorithm developed to predict the effect of missense changes on protein structure and function (PolyPhen-2) suggests that this variant is likely to be disruptive. In summary, the available evidence is currently insufficient to determine the role of this variant in disease. Therefore, it has been classified as a Variant of Uncertain Significance.

NM_021803.4(IL21):c.118C>T (p.Arg40Cys)

Genes: IL21 (interleukin 21; minus strand), IL21-AS1 (IL21 antisense RNA 1; plus strand), LOC126807147 (CDK7 strongly-dependent group 2 enhancer GRCh37_chr4:123541308-123542507; plus strand). Cytogenetic location: 4q27.
Variant type: single nucleotide variant.
Coding change: c.118C>T on transcript NM_021803.4 (MANE Select); coding-DNA position 118, C replaced by T.
Protein change: p.Arg40Cys; replaces arginine 40 with cysteine.
Molecular consequence: missense variant. On other transcripts: non-coding transcript variant (1).
Genome position (GRCh38, 1-based): chr4:122,620,894, G>A on the plus strand (C>T on the coding strand, the complement: IL21 is on the minus strand). VCF-style: chr4-122620894-G-A. GRCh37 (hg19) VCF-style: chr4-123542049-G-A.
Other names: c.118C>T, p.Arg40Cys (NM_001207006.3); short protein forms R40C.
Identifiers: ClinVar variation 3007852 (VCV003007852.3), dbSNP rs1158040184, ClinGen allele CA358221699.